The following is an entry in ClinVar:

ClinVar aggregate classification (germline): Pathogenic. Review status: criteria provided, multiple submitters, no conflicts (2 of 4 stars). 2 submissions from 2 submitters: Pathogenic (2). Last evaluated 2022-11-28.

Conditions:
Hereditary cancer-predisposing syndrome. Also called: Tumor predisposition; Hereditary neoplastic syndrome; Neoplastic Syndromes, Hereditary; Hereditary Cancer Syndrome. Identifiers: Orphanet 140162, MedGen C0027672, MeSH D009386, MONDO:0015356.
Hereditary nonpolyposis colorectal neoplasms. Identifiers: MedGen C0009405, MeSH D003123.

Submissions (2):

Ambry Genetics
Classification: Pathogenic for Hereditary cancer-predisposing syndrome. Last evaluated: 2022-11-28. Review status: criteria provided, single submitter. Criteria: Ambry Variant Classification Scheme 2023. Collection method: clinical testing. Allele origin: germline.
Comment: The c.1866_1869dupACCC pathogenic mutation, located in coding exon 4 of the MSH6 gene, results from a duplication of ACCC at nucleotide position 1866, causing a translational frameshift with a predicted alternate stop codon (p.G624Tfs*17). This variant is considered to be rare based on population cohorts in the Genome Aggregation Database (gnomAD). This alteration is expected to result in loss of function by premature protein truncation or nonsense-mediated mRNA decay. As such, this alteration is interpreted as a disease-causing mutation.

Labcorp Genetics (formerly Invitae), Labcorp
Classification: Pathogenic for Hereditary nonpolyposis colorectal neoplasms. Last evaluated: 2021-03-10. Review status: criteria provided, single submitter. Criteria: Invitae Variant Classification Sherloc (09022015). Collection method: clinical testing. Allele origin: germline.
Comment: This sequence change creates a premature translational stop signal (p.Gly624Thrfs*17) in the MSH6 gene. It is expected to result in an absent or disrupted protein product. Loss-of-function variants in MSH6 are known to be pathogenic (PMID: 18269114, 24362816). This variant is not present in population databases (ExAC no frequency). This variant has not been reported in the literature in individuals with MSH6-related conditions. For these reasons, this variant has been classified as Pathogenic.

Literature cited by the submitters: PubMed 18269114 (cited by Labcorp Genetics (formerly Invitae), Labcorp); PubMed 24362816 (cited by Labcorp Genetics (formerly Invitae), Labcorp).

NM_000179.3(MSH6):c.1866_1869dup (p.Gly624fs)

Gene: MSH6 (mutS homolog 6; plus strand). Cytogenetic location: 2p16.3.
Variant type: Duplication.
Coding change: c.1866_1869dup on transcript NM_000179.3 (MANE Select); coding-DNA positions 1866 to 1869, 4 bases duplicated (ACCC; older notation c.1866_1869dupACCC).
Protein change: p.Gly624fs; shifts the reading frame from glycine 624.
Molecular consequence: frameshift variant.
Genome position (GRCh38, 1-based): chr2:47,799,849-47,799,852, ACCC duplicated. VCF-style (leftmost placement, unchanged base first): chr2-47799848-T-TACCC. GRCh37 (hg19) VCF-style: chr2-48026987-T-TACCC.
Other names: c.1476_1479dup, p.Gly494fs (NM_001281492.2); c.960_963dup, p.Gly322fs (NM_001281493.2, NM_001281494.2); c.1866_1869dupACCC (NM_000179.2); short protein forms G322fs, G494fs, G624fs.
Identifiers: ClinVar variation 1073819 (VCV001073819.9), dbSNP rs2104372607, ClinGen allele CA2499216108.